The following is an entry in ClinVar:

ClinVar aggregate classification (germline): Pathogenic (1 of 4 stars; one submission).

Conditions:
Hereditary nonpolyposis colorectal neoplasms. Identifiers: MedGen C0009405, MeSH D003123.

Submission:

Labcorp Genetics (formerly Invitae), Labcorp
Classification: Pathogenic for Hereditary nonpolyposis colorectal neoplasms. Last evaluated: 2021-09-04. Review status: criteria provided, single submitter. Criteria: Invitae Variant Classification Sherloc (09022015). Collection method: clinical testing. Allele origin: germline.
Comment: For these reasons, this variant has been classified as Pathogenic. This variant has not been reported in the literature in individuals with MSH6-related conditions. This variant is a gross deletion of the genomic region encompassing exon(s) 1-3 of the MSH6 gene, which includes the initiator codon. The 5' end of this event is unknown as it extends beyond the assayed region for this gene and therefore may encompass additional genes. The 3' boundary is likely confined to intron 3 of the MSH6 gene. It is expected to result in an absent or disrupted protein product. Loss-of-function variants in MSH6 are known to be pathogenic (PMID: 18269114, 24362816).

Literature cited by the submitters: PubMed 18269114; PubMed 24362816.

NC_000002.11:g.(?_48010373)_(48023212_?)del

Gene: MSH6 (mutS homolog 6; plus strand). Cytogenetic location: 2p16.3.
Variant type: Deletion.
Identifiers: ClinVar variation 1074420 (VCV001074420.3).